The following is an entry in ClinVar:

NM_001036.6(RYR3):c.12550C>T (p.Leu4184Phe)

Gene: RYR3 (ryanodine receptor 3; plus strand). Cytogenetic location: 15q14.
Variant type: single nucleotide variant.
Coding change: c.12550C>T on transcript NM_001036.6 (MANE Select); coding-DNA position 12550, C replaced by T.
Protein change: p.Leu4184Phe; replaces leucine 4184 with phenylalanine.
Molecular consequence: missense variant.
Genome position (GRCh38, 1-based): chr15:33,838,530, C>T. VCF-style: chr15-33838530-C-T. GRCh37 (hg19) VCF-style: chr15-34130731-C-T.
Other names: c.12535C>T, p.Leu4179Phe (NM_001243996.4); short protein forms L4179F, L4184F.
Identifiers: ClinVar variation 1038207 (VCV001038207.30), dbSNP rs1414118993, ClinGen allele CA391595373.

ClinVar aggregate classification (germline): Uncertain significance. Review status: criteria provided, multiple submitters, no conflicts (2 of 4 stars). 2 submissions from 2 submitters: Uncertain significance (2). Last evaluated 2024-02-01.

Conditions:
Epileptic encephalopathy. Identifiers: MedGen C0543888, HP:0200134.

Allele frequency attached by ClinVar (database versions not stated): gnomAD exomes below 0.00001.
gnomAD v4.1: 6 of 1,613,958 alleles (0.00037%); highest among the groups gnomAD compares: Middle Eastern, 0.066%; no homozygotes.

Submissions (2):

CeGaT Center for Human Genetics Tuebingen
Classification: Uncertain significance. Last evaluated: 2024-02-01. Review status: criteria provided, single submitter. Criteria: CeGaT Center For Human Genetics Tuebingen Variant Classification Criteria Version 2. Collection method: clinical testing. Allele origin: germline. Affected: yes. Observed: 1 variant allele.
Comment: RYR3: PM2, BP4

Labcorp Genetics (formerly Invitae), Labcorp
Classification: Uncertain significance for Epileptic encephalopathy. Last evaluated: 2022-11-01. Review status: criteria provided, single submitter. Criteria: Invitae Variant Classification Sherloc (09022015). Collection method: clinical testing. Allele origin: germline.
Comment: In summary, the available evidence is currently insufficient to determine the role of this variant in disease. Therefore, it has been classified as a Variant of Uncertain Significance. Algorithms developed to predict the effect of missense changes on protein structure and function output the following: SIFT: "Tolerated"; PolyPhen-2: "Benign"; Align-GVGD: "Class C0". The phenylalanine amino acid residue is found in multiple mammalian species, which suggests that this missense change does not adversely affect protein function. ClinVar contains an entry for this variant (Variation ID: 1038207). This variant has not been reported in the literature in individuals affected with RYR3-related conditions. This variant is not present in population databases (gnomAD no frequency). This sequence change replaces leucine, which is neutral and non-polar, with phenylalanine, which is neutral and non-polar, at codon 4184 of the RYR3 protein (p.Leu4184Phe).